The following is an entry in ClinVar:

ClinVar aggregate classification (germline): Likely benign. Review status: criteria provided, multiple submitters, no conflicts (2 of 4 stars). 2 submissions from 2 submitters: Likely benign (2). Last evaluated 2026-06-01.

Allele frequency attached by ClinVar (database versions not stated): gnomAD exomes 0.00004 and 0.00014; gnomAD 0.00005 and 0.00006; ESP Exome Variant Server 0.00008; TOPMed 0.00014; ExAC 0.00017.
gnomAD v4.1: 81 of 1,614,052 alleles (0.005%); highest among the groups gnomAD compares: Admixed American, 0.068%; no homozygotes.

Submissions (2):

CeGaT Center for Human Genetics Tuebingen
Classification: Likely benign. Last evaluated: 2026-06-01. Review status: criteria provided, single submitter. Criteria: CeGaT Center For Human Genetics Tuebingen Variant Classification Criteria Version 2. Collection method: clinical testing. Allele origin: germline. Affected: yes. Observed: 1 variant allele.
Comment: MAP1B: BP4, BP7

Labcorp Genetics (formerly Invitae), Labcorp
Classification: Likely benign. Last evaluated: 2018-06-08. Review status: criteria provided, single submitter. Criteria: Invitae Variant Classification Sherloc (09022015). Collection method: clinical testing. Allele origin: germline.

NM_005909.5(MAP1B):c.2655C>G (p.Thr885=)

Gene: MAP1B (microtubule associated protein 1B; plus strand). Cytogenetic location: 5q13.2.
Variant type: single nucleotide variant.
Coding change: c.2655C>G on transcript NM_005909.5 (MANE Select); coding-DNA position 2655, C replaced by G.
Protein change: p.Thr885=; no amino-acid change (threonine 885 retained).
Molecular consequence: synonymous variant.
Genome position (GRCh38, 1-based): chr5:72,196,010, C>G. VCF-style: chr5-72196010-C-G. GRCh37 (hg19) VCF-style: chr5-71491837-C-G.
Other names: c.2277C>G, p.Thr759= (NM_001324255.2).
Identifiers: ClinVar variation 717388 (VCV000717388.5), dbSNP rs375972752, ClinGen allele CA3298864.